The following is an entry in ClinVar:

ClinVar aggregate classification (germline): Uncertain significance (1 of 4 stars; one submission).

Conditions:
DNA ligase IV deficiency. Identifiers: Orphanet 99812, MedGen C1847827, MONDO:0011686, OMIM 606593.

Allele frequency attached by ClinVar (database versions not stated): gnomAD exomes below 0.00001.

Submission:

Labcorp Genetics (formerly Invitae), Labcorp
Classification: Uncertain significance for DNA ligase IV deficiency. Last evaluated: 2024-10-16. Review status: criteria provided, single submitter. Criteria: Invitae Variant Classification Sherloc (09022015). Collection method: clinical testing. Allele origin: germline.
Comment: This sequence change replaces glycine, which is neutral and non-polar, with glutamic acid, which is acidic and polar, at codon 103 of the LIG4 protein (p.Gly103Glu). This variant is not present in population databases (gnomAD no frequency). This variant has not been reported in the literature in individuals affected with LIG4-related conditions. ClinVar contains an entry for this variant (Variation ID: 1400289). Invitae Evidence Modeling of protein sequence and biophysical properties (such as structural, functional, and spatial information, amino acid conservation, physicochemical variation, residue mobility, and thermodynamic stability) has been performed for this missense variant. However, the output from this modeling did not meet the statistical confidence thresholds required to predict the impact of this variant on LIG4 protein function. In summary, the available evidence is currently insufficient to determine the role of this variant in disease. Therefore, it has been classified as a Variant of Uncertain Significance.

NM_206937.2(LIG4):c.308G>A (p.Gly103Glu)

Gene: LIG4 (DNA ligase 4; minus strand). Cytogenetic location: 13q33.3.
Variant type: single nucleotide variant.
Coding change: c.308G>A on transcript NM_206937.2 (MANE Select); coding-DNA position 308, G replaced by A.
Protein change: p.Gly103Glu; replaces glycine 103 with glutamic acid.
Molecular consequence: missense variant.
Genome position (GRCh38, 1-based): chr13:108,210,961, C>T on the plus strand (G>A on the coding strand, the complement: LIG4 is on the minus strand). VCF-style: chr13-108210961-C-T. GRCh37 (hg19) VCF-style: chr13-108863309-C-T.
Other names: c.308G>A, p.Gly103Glu (NM_001098268.2, NM_001352598.2, NM_001352599.2 and 6 more transcripts); c.107G>A, p.Gly36Glu (NM_001330595.2); c.344G>A, p.Gly115Glu (NM_001352604.2); short protein forms G103E, G36E, G115E.
Identifiers: ClinVar variation 1400289 (VCV001400289.8), dbSNP rs2138980358, ClinGen allele CA388623619.